The following is an entry in ClinVar:

ClinVar aggregate classification (germline): Uncertain significance (1 of 4 stars; one submission).

Conditions:
Alagille syndrome due to a JAG1 point mutation. Also called: Alagille Syndrome 1; HEPATIC DUCTULAR HYPOPLASIA, SYNDROMATIC; JAG1-Related Alagille Syndrome. Identifiers: Orphanet 261619, Orphanet 52, MedGen C1956125, MONDO:0016862, OMIM 118450.

gnomAD v4.1: 1 of 1,613,772 alleles (0.000062%); highest among the groups gnomAD compares: Admixed American, 0.0017%; no homozygotes.

Submission:

Labcorp Genetics (formerly Invitae), Labcorp
Classification: Uncertain significance for Alagille syndrome due to a JAG1 point mutation. Last evaluated: 2025-11-03. Review status: criteria provided, single submitter. Criteria: Invitae Variant Classification Sherloc (09022015). Collection method: clinical testing. Allele origin: germline.
Comment: This sequence change replaces arginine, which is basic and polar, with glycine, which is neutral and non-polar, at codon 235 of the JAG1 protein (p.Arg235Gly). This variant is present in population databases (no rsID available, gnomAD 0.003%). This variant has not been reported in the literature in individuals affected with JAG1-related conditions. ClinVar contains an entry for this variant (Variation ID: 3713279). Invitae Evidence Modeling of protein sequence and biophysical properties (such as structural, functional, and spatial information, amino acid conservation, physicochemical variation, residue mobility, and thermodynamic stability) has been performed for this missense variant. However, the output from this modeling did not meet the statistical confidence thresholds required to predict the impact of this variant on JAG1 protein function. In summary, the available evidence is currently insufficient to determine the role of this variant in disease. Therefore, it has been classified as a Variant of Uncertain Significance.

NM_000214.3(JAG1):c.703C>G (p.Arg235Gly)

Gene: JAG1 (jagged canonical Notch ligand 1; minus strand). Cytogenetic location: 20p12.2.
Variant type: single nucleotide variant.
Coding change: c.703C>G on transcript NM_000214.3 (MANE Select); coding-DNA position 703, C replaced by G.
Protein change: p.Arg235Gly; replaces arginine 235 with glycine.
Molecular consequence: missense variant.
Genome position (GRCh38, 1-based): chr20:10,656,450, G>C on the plus strand (C>G on the coding strand, the complement: JAG1 is on the minus strand). VCF-style: chr20-10656450-G-C. GRCh37 (hg19) VCF-style: chr20-10637098-G-C.
Other names: short protein forms R235G.
Identifiers: ClinVar variation 3713279 (VCV003713279.2).